The following is an entry in ClinVar:

NM_001283009.2(RTEL1):c.836_837del (p.Ile279fs)

Genes: RTEL1 (regulator of telomere elongation helicase 1; plus strand), RTEL1-TNFRSF6B (RTEL1-TNFRSF6B readthrough (NMD candidate); plus strand). Cytogenetic location: 20q13.33.
Variant type: Deletion.
Coding change: c.836_837del on transcript NM_001283009.2 (MANE Select); coding-DNA positions 836 to 837, 2 bases deleted (TA; older notation c.836_837delTA).
Protein change: p.Ile279fs; shifts the reading frame from isoleucine 279.
Molecular consequence: frameshift variant. On other transcripts: non-coding transcript variant (1).
Genome position (GRCh38, 1-based): chr20:63,674,010-63,674,011, TA deleted; deleting any 2 consecutive bases within chr20:63,674,009-63,674,011 gives the same sequence; the c. name uses the placement nearest the transcript's 3' end. VCF-style (leftmost placement, unchanged base first): chr20-63674008-CAT-C. GRCh37 (hg19) VCF-style: chr20-62305361-CAT-C.
Other names: c.167_168del, p.Ile56fs (NM_001283010.1); c.836_837del, p.Ile279fs (NM_016434.4); c.908_909del, p.Ile303fs (NM_032957.5); short protein forms I279fs, I56fs, I303fs.
Identifiers: ClinVar variation 1453117 (VCV001453117.6), dbSNP rs2146197831, ClinGen allele CA2573157214.

ClinVar aggregate classification (germline): Pathogenic (1 of 4 stars; one submission).

Conditions:
Pulmonary fibrosis and/or bone marrow failure, Telomere-related, 3. Also called: PULMONARY FIBROSIS AND/OR BONE MARROW FAILURE SYNDROME, TELOMERE-RELATED, 3. Identifiers: Orphanet 2032, MedGen C4225346, MONDO:0014613, OMIM 616373.
Dyskeratosis congenita, autosomal recessive 5 (DKCB5). Identifiers: MedGen C3554656, MONDO:0014076, OMIM 615190.

Submission:

Labcorp Genetics (formerly Invitae), Labcorp
Classification: Pathogenic for Dyskeratosis congenita, autosomal recessive 5; Pulmonary fibrosis and/or bone marrow failure, Telomere-related, 3. Last evaluated: 2020-12-10. Review status: criteria provided, single submitter. Criteria: Invitae Variant Classification Sherloc (09022015). Collection method: clinical testing. Allele origin: germline.
Comment: This sequence change creates a premature translational stop signal (p.Ile279Argfs*15) in the RTEL1 gene. It is expected to result in an absent or disrupted protein product. Loss-of-function variants in RTEL1 are known to be pathogenic (PMID: 23453664, 23959892, 25607374). This variant is not present in population databases (ExAC no frequency). This variant has not been reported in the literature in individuals with RTEL1-related conditions. For these reasons, this variant has been classified as Pathogenic.

Literature cited by the submitters: PubMed 23453664; PubMed 23959892; PubMed 25607374.